The following is an entry in ClinVar:

NM_000395.3(CSF2RB):c.1382G>A (p.Arg461His)

Gene: CSF2RB (colony stimulating factor 2 receptor subunit beta; plus strand). Cytogenetic location: 22q12.3.
Variant type: single nucleotide variant.
Coding change: c.1382G>A on transcript NM_000395.3 (MANE Select); coding-DNA position 1382, G replaced by A.
Protein change: p.Arg461His; replaces arginine 461 with histidine.
Molecular consequence: missense variant.
Genome position (GRCh38, 1-based): chr22:36,935,417, G>A. VCF-style: chr22-36935417-G-A. GRCh37 (hg19) VCF-style: chr22-37331459-G-A.
Other names: c.1382G>A (NM_000395.2); short protein forms R461H.
Identifiers: ClinVar variation 1491028 (VCV001491028.7), dbSNP rs374434773, ClinGen allele CA10213814.
Genomic context (GRCh38, chr22:36,935,417, plus strand): 5'-CTATGTGGGTGCTGGCCCTCATCGTGATCTTCCTCACCATCGCTGTGCTCCTGGCCCTCC[G>A]CTTCTGTGGCATCTACGGGTACAGGTGAGGGGACTCTGTGGGGCTGGAGGTGGCAGCCGA-3'
Protein context (NP_000386.1, residues 451-471): FLTIAVLLAL[Arg461His]FCGIYGYRLR

ClinVar aggregate classification (germline): Uncertain significance. Review status: criteria provided, multiple submitters, no conflicts (2 of 4 stars). 2 submissions from 2 submitters: Uncertain significance (2). Last evaluated 2025-07-29.

Conditions:
Inborn genetic diseases. Identifiers: MedGen C0950123, MeSH D030342.

Allele frequency attached by ClinVar (database versions not stated): gnomAD exomes 0.00005 and 0.00006; gnomAD 0.00006 and 0.00008; ExAC 0.00008; TOPMed 0.00010; ESP Exome Variant Server 0.00015.
gnomAD v4.1: 96 of 1,614,010 alleles (0.0059%); highest among the groups gnomAD compares: Non-Finnish European, 0.0073%; no homozygotes.

Submissions (2):

Labcorp Genetics (formerly Invitae), Labcorp
Classification: Uncertain significance. Last evaluated: 2025-07-29. Review status: criteria provided, single submitter. Criteria: Invitae Variant Classification Sherloc (09022015). Collection method: clinical testing. Allele origin: germline.
Comment: This sequence change replaces arginine, which is basic and polar, with histidine, which is basic and polar, at codon 461 of the CSF2RB protein (p.Arg461His). This variant is present in population databases (rs374434773, gnomAD 0.008%). This variant has not been reported in the literature in individuals affected with CSF2RB-related conditions. ClinVar contains an entry for this variant (Variation ID: 1491028). Invitae Evidence Modeling of protein sequence and biophysical properties (such as structural, functional, and spatial information, amino acid conservation, physicochemical variation, residue mobility, and thermodynamic stability) indicates that this missense variant is not expected to disrupt CSF2RB protein function with a negative predictive value of 80%. In summary, the available evidence is currently insufficient to determine the role of this variant in disease. Therefore, it has been classified as a Variant of Uncertain Significance.

Ambry Genetics
Classification: Uncertain significance for Inborn genetic diseases. Last evaluated: 2022-02-03. Review status: criteria provided, single submitter. Criteria: Ambry Variant Classification Scheme 2023. Collection method: clinical testing. Allele origin: germline.